The following is an entry in ClinVar:

ClinVar aggregate classification (germline): Likely pathogenic (1 of 4 stars; one submission).

Conditions:
Dilated cardiomyopathy 1G (CMD1G). Identifiers: Orphanet 154, MedGen C1858763, MONDO:0011400, OMIM 604145.
Autosomal recessive limb-girdle muscular dystrophy type 2J (LGMDR10). Also called: Limb-girdle muscular dystrophy, type 2J; MUSCULAR DYSTROPHY, LIMB-GIRDLE, AUTOSOMAL RECESSIVE 10. Identifiers: Orphanet 140922, MedGen C1837342, MONDO:0012127, OMIM 608807.

Submission:

Labcorp Genetics (formerly Invitae), Labcorp
Classification: Likely pathogenic for Dilated cardiomyopathy 1G; Autosomal recessive limb-girdle muscular dystrophy type 2J. Last evaluated: 2023-08-07. Review status: criteria provided, single submitter. Criteria: Invitae Variant Classification Sherloc (09022015). Collection method: clinical testing. Allele origin: germline.
Comment: This variant has not been reported in the literature in individuals affected with TTN-related conditions. This sequence change creates a premature translational stop signal (p.Ala31422Profs*35) in the TTN gene. While this is not anticipated to result in nonsense mediated decay, it is expected to create a truncated TTN protein. This variant is not present in population databases (gnomAD no frequency). In summary, the currently available evidence indicates that the variant is pathogenic, but additional data are needed to prove that conclusively. Therefore, this variant has been classified as Likely Pathogenic. This variant is located in the A band of TTN (PMID: 25589632). Truncating variants in this region are significantly overrepresented in patients affected with dilated cardiomyopathy (PMID: 25589632). Truncating variants in this region have also been reported in individuals affected with autosomal recessive centronuclear myopathy (PMID: 23975875).

Literature cited by the submitters: PubMed 25589632; PubMed 23975875.

NM_001267550.2(TTN):c.94263del (p.Ala31422fs)

Genes: TTN (titin; minus strand), TTN-AS1 (TTN antisense RNA 1; plus strand). Cytogenetic location: 2q31.2.
Variant type: Deletion.
Coding change: c.94263del on transcript NM_001267550.2 (MANE Select); coding-DNA position 94263, one base deleted (T; older notation c.94263delT).
Protein change: p.Ala31422fs; shifts the reading frame from alanine 31422.
Molecular consequence: frameshift variant.
Genome position (GRCh38, 1-based): chr2:178,547,262, A deleted on the plus strand (T on the coding strand, the reverse complement: TTN is on the minus strand). VCF-style (leftmost placement, unchanged base first): chr2-178547261-CA-C. GRCh37 (hg19) VCF-style: chr2-179411988-CA-C.
Other names: c.89340del, p.Ala29781fs (NM_001256850.1); c.67068del, p.Ala22357fs (NM_003319.4); c.86559del, p.Ala28854fs (NM_133378.4); c.67443del, p.Ala22482fs (NM_133432.3); c.67644del, p.Ala22549fs (NM_133437.4); short protein forms A22357fs, A28854fs, A29781fs, A22482fs, A22549fs, A31422fs.
Identifiers: ClinVar variation 2950775 (VCV002950775.3), dbSNP rs2469085285, ClinGen allele CA2740095979.